The following is an entry in ClinVar:

ClinVar aggregate classification (germline): Uncertain significance. Review status: criteria provided, multiple submitters, no conflicts (2 of 4 stars). 4 submissions from 4 submitters: Uncertain significance (4). Last evaluated 2026-04-30.

Conditions:
Blepharocheilodontic syndrome 1 (BCDS1). Identifiers: Orphanet 1997, MedGen C4551988, MONDO:0054740, OMIM 119580.
Hereditary cancer-predisposing syndrome. Also called: Tumor predisposition; Neoplastic Syndromes, Hereditary; Hereditary neoplastic syndrome; Hereditary Cancer Syndrome. Identifiers: Orphanet 140162, MedGen C0027672, MeSH D009386, MONDO:0015356.
Hereditary diffuse gastric adenocarcinoma (HDGC). Also called: DIFFUSE GASTRIC AND LOBULAR BREAST CANCER SYNDROME. Identifiers: Orphanet 26106, MedGen C1708349, MONDO:0007648, OMIM 137215.

Allele frequency attached by ClinVar (database versions not stated): gnomAD exomes below 0.00001.
gnomAD v4.1: 1 of 1,614,142 alleles (0.000062%); highest among the groups gnomAD compares: South Asian, 0.0011%; no homozygotes.

Submissions (4):

Ambry Genetics
Classification: Uncertain significance for Hereditary cancer-predisposing syndrome. Last evaluated: 2026-04-30. Review status: criteria provided, single submitter. Criteria: Ambry Variant Classification Scheme 2023. Collection method: clinical testing. Allele origin: germline.
Comment: The p.I542M variant (also known as c.1626T>G), located in coding exon 11 of the CDH1 gene, results from a T to G substitution at nucleotide position 1626. The isoleucine at codon 542 is replaced by methionine, an amino acid with highly similar properties. This amino acid position is highly conserved in available vertebrate species. In addition, the in silico prediction for this alteration is inconclusive. Based on the available evidence, the clinical significance of this variant remains unclear.

Labcorp Genetics (formerly Invitae), Labcorp
Classification: Uncertain significance for Hereditary diffuse gastric adenocarcinoma. Last evaluated: 2025-10-13. Review status: criteria provided, single submitter. Criteria: Invitae Variant Classification Sherloc (09022015). Collection method: clinical testing. Allele origin: germline.
Comment: This sequence change replaces isoleucine, which is neutral and non-polar, with methionine, which is neutral and non-polar, at codon 542 of the CDH1 protein (p.Ile542Met). This variant is not present in population databases (gnomAD no frequency). This missense change has been observed in individual(s) with clinical features of CDH1-related conditions (internal data). ClinVar contains an entry for this variant (Variation ID: 835462). An algorithm developed to predict the effect of missense changes on protein structure and function (PolyPhen-2) suggests that this variant is likely to be disruptive. In summary, the available evidence is currently insufficient to determine the role of this variant in disease. Therefore, it has been classified as a Variant of Uncertain Significance.

Color Diagnostics, LLC DBA Color Health
Classification: Uncertain significance for Hereditary cancer-predisposing syndrome. Last evaluated: 2023-12-04. Review status: criteria provided, single submitter. Criteria: ACMG Guidelines, 2015. Collection method: clinical testing. Allele origin: germline.
Comment: This missense variant replaces isoleucine with methionine at codon 542 of the CDH1 protein. To our knowledge, functional studies have not been reported for this variant. This variant has not been reported in individuals affected with CDH1-related disorders in the literature. This variant has not been identified in the general population by the Genome Aggregation Database (gnomAD). The available evidence is insufficient to determine the role of this variant in disease conclusively. Therefore, this variant is classified as a Variant of Uncertain Significance.

Neuberg Centre For Genomic Medicine, NCGM
Classification: Uncertain significance for Blepharocheilodontic syndrome 1. Review status: criteria provided, single submitter. Criteria: ACMG Guidelines, 2015. Collection method: clinical testing. Allele origin: germline. Inheritance: Autosomal dominant inheritance. Affected: yes.

NM_004360.5(CDH1):c.1626T>G (p.Ile542Met)

Gene: CDH1 (cadherin 1; plus strand). Cytogenetic location: 16q22.1.
Variant type: single nucleotide variant.
Coding change: c.1626T>G on transcript NM_004360.5 (MANE Select); coding-DNA position 1626, T replaced by G.
Protein change: p.Ile542Met; replaces isoleucine 542 with methionine.
Molecular consequence: missense variant. On other transcripts: intron variant (1).
Genome position (GRCh38, 1-based): chr16:68,819,340, T>G. VCF-style: chr16-68819340-T-G. GRCh37 (hg19) VCF-style: chr16-68853243-T-G.
Other names: c.1443T>G, p.Ile481Met (NM_001317184.2); c.78T>G, p.Ile26Met (NM_001317185.2); c.-254-2661T>G (NM_001317186.2); short protein forms I481M, I26M, I542M.
Identifiers: ClinVar variation 835462 (VCV000835462.16), dbSNP rs1961075798, ClinGen allele CA396465123.